The following is an entry in ClinVar:

NM_001134407.3(GRIN2A):c.*3523C>A

Gene: GRIN2A (glutamate ionotropic receptor NMDA type subunit 2A; minus strand). Cytogenetic location: 16p13.2.
Variant type: single nucleotide variant.
Coding change: c.*3523C>A on transcript NM_001134407.3 (MANE Select); 3523 bases downstream of the stop codon, C replaced by A.
Molecular consequence: 3 prime UTR variant.
Genome position (GRCh38, 1-based): chr16:9,759,626, G>T on the plus strand (C>A on the coding strand, the complement: GRIN2A is on the minus strand). VCF-style: chr16-9759626-G-T. GRCh37 (hg19) VCF-style: chr16-9853483-G-T.
Other names: c.*3523C>A (NM_000833.5); c.*3729C>A (NM_001134408.2).
Identifiers: ClinVar variation 888327 (VCV000888327.28), dbSNP rs559488090, ClinGen allele CA277532532.

ClinVar aggregate classification (germline): Conflicting classifications of pathogenicity. Review status: criteria provided, conflicting classifications (1 of 4 stars). 2 submissions from 2 submitters: Uncertain significance (1); Benign (1). Last evaluated 2022-07-01.

Conditions:
Landau-Kleffner syndrome (FESD). Also called: APHASIA, ACQUIRED, WITH EPILEPSY; EPILEPSY, FOCAL, WITH SPEECH DISORDER AND WITH OR WITHOUT MENTAL RETARDATION. Identifiers: Orphanet 1945, Orphanet 725, Orphanet 98818, MedGen C0282512, MONDO:0009509, OMIM 245570.

Allele frequency attached by ClinVar (database versions not stated): gnomAD exomes 0.00004; gnomAD 0.00009 and below 0.00001; TOPMed 0.00002; 1000 Genomes Project 30x 0.00031; 1000 Genomes Project 0.00020.
gnomAD v4.1: 18 of 229,778 alleles (0.0078%); highest among the groups gnomAD compares: South Asian, 0.31%; no homozygotes.

Submissions (2):

CeGaT Center for Human Genetics Tuebingen
Classification: Benign. Last evaluated: 2022-07-01. Review status: criteria provided, single submitter. Criteria: CeGaT Center For Human Genetics Tuebingen Variant Classification Criteria Version 2. Collection method: clinical testing. Allele origin: germline. Affected: yes. Observed: 1 variant allele.
Comment: GRIN2A: BS1, BS2

Illumina Laboratory Services, Illumina
Classification: Uncertain significance for Landau-Kleffner syndrome. Last evaluated: 2018-01-12. Review status: criteria provided, single submitter. Criteria: ICSL Variant Classification Criteria 13 December 2019. Collection method: clinical testing. Allele origin: germline.